The following is an entry in ClinVar:

NM_000059.4(BRCA2):c.3959A>C (p.Glu1320Ala)

Gene: BRCA2 (BRCA2 DNA repair associated; plus strand). Cytogenetic location: 13q13.1.
Variant type: single nucleotide variant.
Coding change: c.3959A>C on transcript NM_000059.4 (MANE Select); coding-DNA position 3959, A replaced by C.
Protein change: p.Glu1320Ala; replaces glutamic acid 1320 with alanine.
Molecular consequence: missense variant. On other transcripts: non-coding transcript variant (1), intron variant (2).
Genome position (GRCh38, 1-based): chr13:32,338,314, A>C. VCF-style: chr13-32338314-A-C. GRCh37 (hg19) VCF-style: chr13-32912451-A-C.
Other names: c.3959A>C, p.Glu1320Ala (NM_001406719.1, NM_001406720.1); c.1909+4927A>C (NM_001406721.1); c.425-6244A>C (NM_001406722.1); short protein forms E1320A.
Identifiers: ClinVar variation 2751315 (VCV002751315.3), dbSNP rs2137501565, ClinGen allele CA387778910.

ClinVar aggregate classification (germline): Uncertain significance (1 of 4 stars; one submission).

Conditions:
Hereditary breast ovarian cancer syndrome. Also called: Hereditary breast and ovarian cancer; Hereditary breast and ovarian cancer syndrome; Breast and ovarian cancer; BRCA1- and BRCA2-Associated Hereditary Breast and Ovarian Cancer; Hereditary breast and ovarian cancer syndrome (HBOC); Hereditary breast and/or ovarian cancer syndrome. Identifiers: Orphanet 145, MedGen C0677776, MeSH D061325, MONDO:0003582. Disease mechanism: loss of function.

Submission:

Labcorp Genetics (formerly Invitae), Labcorp
Classification: Uncertain significance for Hereditary breast ovarian cancer syndrome. Last evaluated: 2023-08-09. Review status: criteria provided, single submitter. Criteria: Invitae Variant Classification Sherloc (09022015). Collection method: clinical testing. Allele origin: germline.
Comment: In summary, the available evidence is currently insufficient to determine the role of this variant in disease. Therefore, it has been classified as a Variant of Uncertain Significance. Advanced modeling of protein sequence and biophysical properties (such as structural, functional, and spatial information, amino acid conservation, physicochemical variation, residue mobility, and thermodynamic stability) performed at Invitae indicates that this missense variant is not expected to disrupt BRCA2 protein function. This variant has not been reported in the literature in individuals affected with BRCA2-related conditions. This variant is not present in population databases (gnomAD no frequency). This sequence change replaces glutamic acid, which is acidic and polar, with alanine, which is neutral and non-polar, at codon 1320 of the BRCA2 protein (p.Glu1320Ala).